The following is an entry in ClinVar:

NM_004260.4(RECQL4):c.418C>T (p.Pro140Ser)

Gene: RECQL4 (RecQ like helicase 4; minus strand). Cytogenetic location: 8q24.3.
Variant type: single nucleotide variant.
Coding change: c.418C>T on transcript NM_004260.4 (MANE Select); coding-DNA position 418, C replaced by T.
Protein change: p.Pro140Ser; replaces proline 140 with serine.
Molecular consequence: missense variant.
Genome position (GRCh38, 1-based): chr8:144,516,701, G>A on the plus strand (C>T on the coding strand, the complement: RECQL4 is on the minus strand). VCF-style: chr8-144516701-G-A. GRCh37 (hg19) VCF-style: chr8-145742085-G-A.
Other names: c.418C>T, p.Pro140Ser (NM_001413017.1, NM_001413018.1, NM_001413019.1 and 4 more transcripts); c.-654C>T (NM_001413022.1, NM_001413023.1, NM_001413037.1 and 3 more transcripts); c.289C>T, p.Pro97Ser (NM_001413025.1); c.-716C>T (NM_001413027.1, NM_001413030.1, NM_001413031.1 and 1 more transcripts); c.-379C>T (NM_001413028.1); c.-558C>T (NM_001413034.1); c.-923C>T (NM_001413043.1); c.418C>T (NM_004260.3); short protein forms P97S, P140S.
Identifiers: ClinVar variation 2068746 (VCV002068746.5), dbSNP rs2538100978, ClinGen allele CA372691561.

ClinVar aggregate classification (germline): Uncertain significance. Review status: criteria provided, multiple submitters, no conflicts (2 of 4 stars). 2 submissions from 2 submitters: Uncertain significance (2). Last evaluated 2026-01-02.

Conditions:
Inborn genetic diseases. Identifiers: MedGen C0950123, MeSH D030342.
Baller-Gerold syndrome (BGS). Also called: CRANIOSYNOSTOSIS WITH RADIAL DEFECTS. Identifiers: Orphanet 1225, MedGen C0265308, MONDO:0009039, OMIM 218600.

Allele frequency attached by ClinVar (database versions not stated): gnomAD exomes below 0.00001.
gnomAD v4.1: 1 of 1,556,060 alleles (0.000064%); highest among the groups gnomAD compares: Non-Finnish European, 0.000087%; no homozygotes.

Submissions (2):

Labcorp Genetics (formerly Invitae), Labcorp
Classification: Uncertain significance for Baller-Gerold syndrome. Last evaluated: 2026-01-02. Review status: criteria provided, single submitter. Criteria: Invitae Variant Classification Sherloc (09022015). Collection method: clinical testing. Allele origin: germline.
Comment: This sequence change replaces proline, which is neutral and non-polar, with serine, which is neutral and polar, at codon 140 of the RECQL4 protein (p.Pro140Ser). This variant is not present in population databases (gnomAD no frequency). This variant has not been reported in the literature in individuals affected with RECQL4-related conditions. ClinVar contains an entry for this variant (Variation ID: 2068746). Invitae Evidence Modeling of protein sequence and biophysical properties (such as structural, functional, and spatial information, amino acid conservation, physicochemical variation, residue mobility, and thermodynamic stability) indicates that this missense variant is not expected to disrupt RECQL4 protein function with a negative predictive value of 80%. In summary, the available evidence is currently insufficient to determine the role of this variant in disease. Therefore, it has been classified as a Variant of Uncertain Significance.

Ambry Genetics
Classification: Uncertain significance for Inborn genetic diseases. Last evaluated: 2025-09-10. Review status: criteria provided, single submitter. Criteria: Ambry Variant Classification Scheme 2023. Collection method: clinical testing. Allele origin: germline.
Comment: The p.P140S variant (also known as c.418C>T), located in coding exon 5 of the RECQL4 gene, results from a C to T substitution at nucleotide position 418. The proline at codon 140 is replaced by serine, an amino acid with similar properties. This amino acid position is conserved. In addition, this alteration is predicted to be tolerated by in silico analysis. Based on the available evidence, the clinical significance of this variant remains unclear.